The following is an entry in ClinVar:

ClinVar aggregate classification (germline): Uncertain significance (1 of 4 stars; one submission).

Allele frequency attached by ClinVar (database versions not stated): gnomAD exomes 0.00001; TOPMed 0.00001.
gnomAD v4.1: 3 of 1,613,516 alleles (0.00019%); highest among the groups gnomAD compares: South Asian, 0.0022%; 1 homozygote.

Submission:

Ambry Genetics
Classification: Uncertain significance. Last evaluated: 2024-10-11. Review status: criteria provided, single submitter. Criteria: Ambry Variant Classification Scheme 2023. Collection method: clinical testing. Allele origin: germline.
Comment: The p.K260N variant (also known as c.780A>T), located in coding exon 5 of the IDH1 gene, results from an A to T substitution at nucleotide position 780. The lysine at codon 260 is replaced by asparagine, an amino acid with similar properties. This amino acid position is conserved. In addition, the in silico prediction for this alteration is inconclusive. Since supporting evidence is limited at this time, the clinical significance of this alteration remains unclear.

NM_005896.4(IDH1):c.780A>T (p.Lys260Asn)

Gene: IDH1 (isocitrate dehydrogenase (NADP(+)) 1; minus strand). Cytogenetic location: 2q34.
Variant type: single nucleotide variant.
Coding change: c.780A>T on transcript NM_005896.4 (MANE Select); coding-DNA position 780, A replaced by T.
Protein change: p.Lys260Asn; replaces lysine 260 with asparagine.
Molecular consequence: missense variant.
Genome position (GRCh38, 1-based): chr2:208,242,064, T>A on the plus strand (A>T on the coding strand, the complement: IDH1 is on the minus strand). VCF-style: chr2-208242064-T-A. GRCh37 (hg19) VCF-style: chr2-209106788-T-A.
Other names: c.780A>T, p.Lys260Asn (NM_001282386.1, NM_001282387.1); short protein forms K260N.
Identifiers: ClinVar variation 1760714 (VCV001760714.3), dbSNP rs1427936380, ClinGen allele CA350097746.